The following is an entry in ClinVar:

ClinVar aggregate classification (germline): Pathogenic/Likely pathogenic. Review status: criteria provided, multiple submitters, no conflicts (2 of 4 stars). 3 submissions from 3 submitters: Pathogenic (1); Likely pathogenic (2). Last evaluated 2024-10-16.

Conditions:
Schimke immuno-osseous dysplasia (SIOD). Also called: Schimke Immunoosseous Dysplasia. Identifiers: Orphanet 1830, MedGen C0877024, MONDO:0009458, OMIM 242900.

Submissions (3):

Revvity Omics, Revvity
Classification: Likely pathogenic for Schimke immuno-osseous dysplasia. Last evaluated: 2024-10-16. Review status: criteria provided, single submitter. Criteria: ACMG Guidelines, 2015. Collection method: clinical testing. Allele origin: germline.

Human Genetics Section, Sidra Medicine
Classification: Likely pathogenic for Schimke immuno-osseous dysplasia. Last evaluated: 2024-02-28. Review status: criteria provided, single submitter. Criteria: ACMG Guidelines, 2015. Collection method: research. Allele origin: germline. Affected: yes. Observed: 1 variant allele.
Comment: The variant results in a premature termination codon, predicted to cause a truncation of the encoded protein or absence of the protein due to nonsense mediated decay, which are commonly known mechanisms for disease. We classify this variant as likely pathogenic, but additional data are needed to prove that conclusively.

Pittsburgh Clinical Genomics Laboratory, University of Pittsburgh Medical Center
Classification: Pathogenic for Schimke immuno-osseous dysplasia. Last evaluated: 2021-07-13. Review status: criteria provided, single submitter. Criteria: ACMG Guidelines, 2015. Collection method: clinical testing. Allele origin: germline. Inheritance: Autosomal recessive inheritance. Affected: yes.
Comment: This sequence variant is a single nucleotide deletion (delA) which results in the introduction of a premature termition codon 87 codons downstream of the frameshift introduced at codon 296. This variant is predicted to generate a non-functiol allele through either the expression of a truncated protein or a loss of SMARCAL1 expression due to nonsense-mediated decay. This is a novel variant which is absent from medical literature, medical genetics databases (ClinVar), and control population datasets (gnomAD, 0/~282000 alleles). Loss of function variants in SMARCAL1 are known to be pathogenic (PMID: 20301550); given the available evidence, we consider this variant to be pathogenic. ACMG Criteria: PM2, PVS1

Literature cited by the submitters: PubMed 20301550 (cited by Pittsburgh Clinical Genomics Laboratory, University of Pittsburgh Medical Center).

NM_014140.4(SMARCAL1):c.886del (p.Thr296fs)

Gene: SMARCAL1 (SNF2 related chromatin remodeling annealing helicase 1; plus strand). Cytogenetic location: 2q35.
Variant type: Deletion.
Coding change: c.886del on transcript NM_014140.4 (MANE Select); coding-DNA position 886, one base deleted (A; older notation c.886delA).
Protein change: p.Thr296fs; shifts the reading frame from threonine 296.
Molecular consequence: frameshift variant.
Genome position (GRCh38, 1-based): chr2:216,420,322, A deleted. VCF-style (leftmost placement, unchanged base first): chr2-216420321-CA-C. GRCh37 (hg19) VCF-style: chr2-217285044-CA-C.
Other names: c.886delA (NM_014140.4); c.886del, p.Thr296fs (NM_001127207.2); short protein forms T296fs.
Identifiers: ClinVar variation 3028898 (VCV003028898.4), dbSNP rs2469620696, ClinGen allele CA2740096443.